The following is an entry in ClinVar:

ClinVar aggregate classification (germline): Uncertain significance (1 of 4 stars; one submission).

Submission:

Ambry Genetics
Classification: Uncertain significance. Last evaluated: 2022-03-01. Review status: criteria provided, single submitter. Criteria: Ambry Variant Classification Scheme 2023. Collection method: clinical testing. Allele origin: germline.
Comment: The p.W613C variant (also known as c.1839G>C), located in coding exon 18 of the KIF1B gene, results from a G to C substitution at nucleotide position 1839. The tryptophan at codon 613 is replaced by cysteine, an amino acid with highly dissimilar properties. This amino acid position is conserved. In addition, this alteration is predicted to be deleterious by in silico analysis. Since supporting evidence is limited at this time, the clinical significance of this alteration remains unclear.

NM_001365951.3(KIF1B):c.1977G>C (p.Trp659Cys)

Gene: KIF1B (kinesin family member 1B; plus strand). Cytogenetic location: 1p36.22.
Variant type: single nucleotide variant.
Coding change: c.1977G>C on transcript NM_001365951.3 (MANE Select); coding-DNA position 1977, G replaced by C.
Protein change: p.Trp659Cys; replaces tryptophan 659 with cysteine.
Molecular consequence: missense variant.
Genome position (GRCh38, 1-based): chr1:10,297,012, G>C. VCF-style: chr1-10297012-G-C. GRCh37 (hg19) VCF-style: chr1-10357070-G-C.
Other names: c.1977G>C, p.Trp659Cys (NM_001365952.1); c.1839G>C, p.Trp613Cys (NM_001365953.1, NM_015074.3, NM_183416.4); short protein forms W613C, W659C.
Identifiers: ClinVar variation 1781096 (VCV001781096.2), dbSNP rs2521402779, ClinGen allele CA338317110.